The following is an entry in ClinVar:

ClinVar aggregate classification (germline): Uncertain significance (1 of 4 stars; one submission).

Conditions:
GM3 synthase deficiency (SPDRS). Also called: SALT AND PEPPER DEVELOPMENTAL REGRESSION SYNDROME; AMISH INFANTILE EPILEPSY SYNDROME; SALT AND PEPPER MENTAL RETARDATION SYNDROME. Identifiers: Orphanet 171714, Orphanet 370933, MedGen C1836824, MONDO:0018274, OMIM 609056.

Allele frequency attached by ClinVar (database versions not stated): gnomAD 0.00001.
gnomAD v4.1: 4 of 1,372,180 alleles (0.00029%); highest among the groups gnomAD compares: Non-Finnish European, 0.00038%; no homozygotes.

Submission:

Labcorp Genetics (formerly Invitae), Labcorp
Classification: Uncertain significance for GM3 synthase deficiency. Last evaluated: 2024-11-11. Review status: criteria provided, single submitter. Criteria: Invitae Variant Classification Sherloc (09022015). Collection method: clinical testing. Allele origin: germline.
Comment: This sequence change replaces threonine, which is neutral and polar, with lysine, which is basic and polar, at codon 3 of the ST3GAL5 protein (p.Thr3Lys). This variant is not present in population databases (gnomAD no frequency). This variant has not been reported in the literature in individuals affected with ST3GAL5-related conditions. ClinVar contains an entry for this variant (Variation ID: 1447894). An algorithm developed to predict the effect of missense changes on protein structure and function outputs the following: PolyPhen-2: "Benign". The lysine amino acid residue is found in multiple mammalian species, which suggests that this missense change does not adversely affect protein function. In summary, the available evidence is currently insufficient to determine the role of this variant in disease. Therefore, it has been classified as a Variant of Uncertain Significance.

NM_003896.4(ST3GAL5):c.8C>A (p.Thr3Lys)

Genes: ST3GAL5 (ST3 beta-galactoside alpha-2,3-sialyltransferase 5; minus strand), LOC129934236 (ATAC-STARR-seq lymphoblastoid silent region 11709; plus strand). Cytogenetic location: 2p11.2.
Variant type: single nucleotide variant.
Coding change: c.8C>A on transcript NM_003896.4 (MANE Select); coding-DNA position 8, C replaced by A.
Protein change: p.Thr3Lys; replaces threonine 3 with lysine.
Molecular consequence: missense variant. On other transcripts: 5 prime UTR variant (6).
Genome position (GRCh38, 1-based): chr2:85,888,898, G>T on the plus strand (C>A on the coding strand, the complement: ST3GAL5 is on the minus strand). VCF-style: chr2-85888898-G-T. GRCh37 (hg19) VCF-style: chr2-86116021-G-T.
Other names: c.-955C>A (NM_001354223.2); c.-617C>A (NM_001354224.2); c.-554C>A (NM_001354226.2); c.-264C>A (NM_001354227.2); c.-208C>A (NM_001354229.2); c.-994C>A (NM_001354233.2); c.8C>A, p.Thr3Lys (NM_001363847.1); short protein forms T3K.
Identifiers: ClinVar variation 1447894 (VCV001447894.4), dbSNP rs913893607, ClinGen allele CA347536205.